The following is an entry in ClinVar:

ClinVar aggregate classification (germline): Uncertain significance (1 of 4 stars; one submission).

Conditions:
GPIHBP1-related disorder. Also called: GPIHBP1-related condition.

gnomAD v4.1: 16 of 1,612,748 alleles (0.00099%); highest among the groups gnomAD compares: Admixed American, 0.0083%; no homozygotes.

Submission:

PreventionGenetics, part of Exact Sciences
Classification: Uncertain significance for GPIHBP1-related condition. Last evaluated: 2025-09-24. Review status: criteria provided, single submitter. Criteria: ACMG Guidelines, 2015. Collection method: clinical testing. Allele origin: germline.
Comment: The GPIHBP1 c.434G>A variant is predicted to result in the amino acid substitution p.Arg145Gln. This variant has been reported in a study about genetic testing for hypertriglyceridemia (Table S2, Deshotels et al. 2022. PubMed ID: 36325899). This variant is reported in 0.014% of alleles in individuals of Latino descent in gnomAD. At this time, the clinical significance of this variant is uncertain due to the absence of conclusive functional and genetic evidence.

NM_178172.6(GPIHBP1):c.434G>A (p.Arg145Gln)

Gene: GPIHBP1 (glycosylphosphatidylinositol anchored high density lipoprotein binding protein 1; plus strand). Cytogenetic location: 8q24.3.
Variant type: single nucleotide variant.
Coding change: c.434G>A on transcript NM_178172.6 (MANE Select); coding-DNA position 434, G replaced by A.
Protein change: p.Arg145Gln; replaces arginine 145 with glutamine.
Molecular consequence: missense variant. On other transcripts: intron variant (1).
Genome position (GRCh38, 1-based): chr8:143,215,397, G>A. VCF-style: chr8-143215397-G-A. GRCh37 (hg19) VCF-style: chr8-144297272-G-A.
Other names: c.375+59G>A (NM_001301772.2); short protein forms R145Q.
Identifiers: ClinVar variation 4981919 (VCV004981919.1).